The following is an entry in ClinVar:

NM_001099403.2(PRDM8):c.658C>T (p.Pro220Ser)

Gene: PRDM8 (PR/SET domain 8; plus strand). Cytogenetic location: 4q21.21.
Variant type: single nucleotide variant.
Coding change: c.658C>T on transcript NM_001099403.2 (MANE Select); coding-DNA position 658, C replaced by T.
Protein change: p.Pro220Ser; replaces proline 220 with serine.
Molecular consequence: missense variant.
Genome position (GRCh38, 1-based): chr4:80,202,120, C>T. VCF-style: chr4-80202120-C-T. GRCh37 (hg19) VCF-style: chr4-81123274-C-T.
Other names: c.658C>T, p.Pro220Ser (NM_020226.4); short protein forms P220S.
Identifiers: ClinVar variation 1509556 (VCV001509556.8), dbSNP rs1738523106, ClinGen allele CA357394769.

ClinVar aggregate classification (germline): Uncertain significance (1 of 4 stars; one submission).

Conditions:
Early-onset Lafora body disease. Also called: Epilepsy, progressive myoclonic, 10. Identifiers: Orphanet 324290, MedGen C4225258, MONDO:0014717, OMIM 616640.

Allele frequency attached by ClinVar (database versions not stated): gnomAD exomes below 0.00001.
gnomAD v4.1: 1 of 1,604,850 alleles (0.000062%); highest among the groups gnomAD compares: Non-Finnish European, 0.000085%; no homozygotes.

Submission:

Labcorp Genetics (formerly Invitae), Labcorp
Classification: Uncertain significance for Early-onset Lafora body disease. Last evaluated: 2022-11-28. Review status: criteria provided, single submitter. Criteria: Invitae Variant Classification Sherloc (09022015). Collection method: clinical testing. Allele origin: germline.
Comment: This sequence change replaces proline, which is neutral and non-polar, with serine, which is neutral and polar, at codon 220 of the PRDM8 protein (p.Pro220Ser). This variant is not present in population databases (gnomAD no frequency). This variant has not been reported in the literature in individuals affected with PRDM8-related conditions. ClinVar contains an entry for this variant (Variation ID: 1509556). Advanced modeling of protein sequence and biophysical properties (such as structural, functional, and spatial information, amino acid conservation, physicochemical variation, residue mobility, and thermodynamic stability) performed at Invitae indicates that this missense variant is not expected to disrupt PRDM8 protein function. In summary, the available evidence is currently insufficient to determine the role of this variant in disease. Therefore, it has been classified as a Variant of Uncertain Significance.